The following is an entry in ClinVar:

ClinVar aggregate classification (germline): Uncertain significance (1 of 4 stars; one submission).

gnomAD v4.1: 11 of 1,598,900 alleles (0.00069%); highest among the groups gnomAD compares: African/African-American, 0.0013%; no homozygotes.

Submission:

Labcorp Genetics (formerly Invitae), Labcorp
Classification: Uncertain significance. Last evaluated: 2024-01-10. Review status: criteria provided, single submitter. Criteria: Invitae Variant Classification Sherloc (09022015). Collection method: clinical testing. Allele origin: germline.
Comment: This sequence change replaces glutamic acid, which is acidic and polar, with lysine, which is basic and polar, at codon 300 of the CARMIL2 protein (p.Glu300Lys). The frequency data for this variant in the population databases is considered unreliable, as metrics indicate poor data quality at this position in the gnomAD database. This variant has not been reported in the literature in individuals affected with CARMIL2-related conditions. Advanced modeling of protein sequence and biophysical properties (such as structural, functional, and spatial information, amino acid conservation, physicochemical variation, residue mobility, and thermodynamic stability) performed at Invitae indicates that this missense variant is not expected to disrupt CARMIL2 protein function with a negative predictive value of 80%. In summary, the available evidence is currently insufficient to determine the role of this variant in disease. Therefore, it has been classified as a Variant of Uncertain Significance.

NM_001013838.3(CARMIL2):c.898G>A (p.Glu300Lys)

Gene: CARMIL2 (capping protein regulator and myosin 1 linker 2; plus strand). Cytogenetic location: 16q22.1.
Variant type: single nucleotide variant.
Coding change: c.898G>A on transcript NM_001013838.3 (MANE Select); coding-DNA position 898, G replaced by A.
Protein change: p.Glu300Lys; replaces glutamic acid 300 with lysine.
Molecular consequence: missense variant.
Genome position (GRCh38, 1-based): chr16:67,647,706, G>A. VCF-style: chr16-67647706-G-A. GRCh37 (hg19) VCF-style: chr16-67681609-G-A.
Other names: c.898G>A, p.Glu300Lys (NM_001317026.3); short protein forms E300K.
Identifiers: ClinVar variation 2958019 (VCV002958019.1), dbSNP rs376677033, ClinGen allele CA283203279.